The following is an entry in ClinVar:

ClinVar aggregate classification (germline): Uncertain significance (1 of 4 stars; one submission).

Submission:

GeneDx
Classification: Uncertain significance. Last evaluated: 2025-06-16. Review status: criteria provided, single submitter. Criteria: GeneDx Variant Classification Process June 2021. Collection method: clinical testing. Allele origin: germline. Affected: yes.
Comment: Not observed at significant frequency in large population cohorts (gnomAD); In silico analysis suggests that this missense variant does not alter protein structure/function; Has not been previously published as pathogenic or benign to our knowledge

NM_001292063.2(OTOG):c.5144G>T (p.Arg1715Met)

Gene: OTOG (otogelin; plus strand). Cytogenetic location: 11p15.1.
Variant type: single nucleotide variant.
Coding change: c.5144G>T on transcript NM_001292063.2 (MANE Select); coding-DNA position 5144, G replaced by T.
Protein change: p.Arg1715Met; replaces arginine 1715 with methionine.
Molecular consequence: missense variant.
Genome position (GRCh38, 1-based): chr11:17,610,444, G>T. VCF-style: chr11-17610444-G-T. GRCh37 (hg19) VCF-style: chr11-17631991-G-T.
Other names: c.5180G>T, p.Arg1727Met (NM_001277269.2); short protein forms R1715M, R1727M.
Identifiers: ClinVar variation 4538674 (VCV004538674.1).
Genomic context (GRCh38, chr11:17,610,444, plus strand): 5'-CCCCTCTAACTGTGGCTGGAACAGCAGCAGAACAGGTTCCTGTCAGTCCCCTTGCAACCA[G>T]GAGCTTGGAGATAGTGCTATCCACAGAGAAGGGCGAAGCCGGGCACAGCCAGCCCATGGG-3'
Protein context (NP_001278992.1, residues 1705-1725): EQVPVSPLAT[Arg1715Met]SLEIVLSTEK